The following is an entry in ClinVar:

NM_001942.4(DSG1):c.280C>T (p.Gln94Ter)

Gene: DSG1 (desmoglein 1; plus strand). Cytogenetic location: 18q12.1.
Variant type: single nucleotide variant.
Coding change: c.280C>T on transcript NM_001942.4 (MANE Select); coding-DNA position 280, C replaced by T.
Protein change: p.Gln94Ter; replaces glutamine 94 with a stop codon.
Molecular consequence: nonsense.
Genome position (GRCh38, 1-based): chr18:31,328,252, C>T. VCF-style: chr18-31328252-C-T. GRCh37 (hg19) VCF-style: chr18-28908215-C-T.
Other names: short protein forms Q94*.
Identifiers: ClinVar variation 2631524 (VCV002631524.1), dbSNP rs2511043894, ClinGen allele CA402128146.

ClinVar aggregate classification (germline): Pathogenic (1 of 4 stars; one submission).

Conditions:
DSG1-related disorder. Also called: DSG1-related condition.

Submission:

PreventionGenetics, part of Exact Sciences
Classification: Pathogenic for DSG1-related condition. Last evaluated: 2023-07-06. Review status: criteria provided, single submitter. Criteria: ACMG Guidelines, 2015. Collection method: clinical testing. Allele origin: germline.
Comment: The DSG1 c.280C>T variant is predicted to result in premature protein termination (p.Gln94*). This variant was reported in a homozygous individual with severe skin dermatitis, multiple allergies and metabolicwasting (SAM) syndrome and in heterozygous related individuals with palmoplantar keratoderma (Taiber et al 2018. PubMed ID: 29604126). This variant has not been reported in a large population database, indicating this variant is rare. Nonsense variants in DSG1 are expected to be pathogenic. This variant is interpreted as pathogenic.